The following is an entry in ClinVar:

NM_000166.6(GJB1):c.534C>G (p.Asp178Glu)

Gene: GJB1 (gap junction protein beta 1; plus strand). Cytogenetic location: Xq13.1.
Variant type: single nucleotide variant.
Coding change: c.534C>G on transcript NM_000166.6 (MANE Select); coding-DNA position 534, C replaced by G.
Protein change: p.Asp178Glu; replaces aspartic acid 178 with glutamic acid.
Molecular consequence: missense variant.
Genome position (GRCh38, 1-based): chrX:71,224,241, C>G. VCF-style: chrX-71224241-C-G. GRCh37 (hg19) VCF-style: chrX-70444091-C-G.
Other names: c.534C>G, p.Asp178Glu (NM_001097642.3, NM_001440770.1); short protein forms D178E.
Identifiers: ClinVar variation 4710050 (VCV004710050.1).

ClinVar aggregate classification (germline): Uncertain significance (1 of 4 stars; one submission).

Conditions:
Charcot-Marie-Tooth Neuropathy X. Identifiers: MedGen CN118851.

Submission:

Labcorp Genetics (formerly Invitae), Labcorp
Classification: Uncertain significance for Charcot-Marie-Tooth Neuropathy X. Last evaluated: 2025-09-16. Review status: criteria provided, single submitter. Criteria: Invitae Variant Classification Sherloc (09022015). Collection method: clinical testing. Allele origin: germline.
Comment: This sequence change replaces aspartic acid, which is acidic and polar, with glutamic acid, which is acidic and polar, at codon 178 of the GJB1 protein (p.Asp178Glu). This variant is not present in population databases (gnomAD no frequency). This missense change has been observed in individual(s) with clinical features of Charcot-Marie-Tooth disease (internal data). Invitae Evidence Modeling of protein sequence and biophysical properties (such as structural, functional, and spatial information, amino acid conservation, physicochemical variation, residue mobility, and thermodynamic stability) has been performed for this missense variant. However, the output from this modeling did not meet the statistical confidence thresholds required to predict the impact of this variant on GJB1 protein function. This variant disrupts the p.Asp178 amino acid residue in GJB1. Other variant(s) that disrupt this residue have been determined to be pathogenic (internal data). This suggests that this residue is clinically significant, and that variants that disrupt this residue are likely to be disease-causing. In summary, the available evidence is currently insufficient to determine the role of this variant in disease. Therefore, it has been classified as a Variant of Uncertain Significance.